The following is an entry in ClinVar:

ClinVar aggregate classification (germline): Conflicting classifications of pathogenicity. Review status: criteria provided, conflicting classifications (1 of 4 stars). 4 submissions from 4 submitters: Uncertain significance (3); Likely benign (1). Last evaluated 2025-10-21.

Conditions:
Familial melanoma. Also called: Hereditary melanoma; Hereditary cutaneous melanoma. Identifiers: Orphanet 618, MedGen C1512419, MONDO:0018961.
Hereditary cancer-predisposing syndrome. Also called: Hereditary neoplastic syndrome; Tumor predisposition; Neoplastic Syndromes, Hereditary; Hereditary Cancer Syndrome. Identifiers: Orphanet 140162, MedGen C0027672, MeSH D009386, MONDO:0015356.
Melanoma, cutaneous malignant, susceptibility to, 3. Also called: Cutaneous malignant melanoma 3. Identifiers: Orphanet 618, MedGen C1836892, MONDO:0012183, OMIM 609048.

Allele frequency attached by ClinVar (database versions not stated): gnomAD 0.00001; gnomAD exomes 0.00001; TOPMed 0.00001.
gnomAD v4.1: 13 of 1,614,042 alleles (0.00081%); highest among the groups gnomAD compares: Non-Finnish European, 0.0011%; no homozygotes.

Submissions (4):

Labcorp Genetics (formerly Invitae), Labcorp
Classification: Uncertain significance for Familial melanoma. Last evaluated: 2025-10-21. Review status: criteria provided, single submitter. Criteria: Invitae Variant Classification Sherloc (09022015). Collection method: clinical testing. Allele origin: germline.
Comment: This sequence change replaces arginine, which is basic and polar, with glutamine, which is neutral and polar, at codon 5 of the CDK4 protein (p.Arg5Gln). This variant is present in population databases (no rsID available, gnomAD 0.003%). This variant has not been reported in the literature in individuals affected with CDK4-related conditions. ClinVar contains an entry for this variant (Variation ID: 419527). Invitae Evidence Modeling of protein sequence and biophysical properties (such as structural, functional, and spatial information, amino acid conservation, physicochemical variation, residue mobility, and thermodynamic stability) indicates that this missense variant is not expected to disrupt CDK4 protein function with a negative predictive value of 95%. In summary, the available evidence is currently insufficient to determine the role of this variant in disease. Therefore, it has been classified as a Variant of Uncertain Significance.

Ambry Genetics
Classification: Uncertain significance for Hereditary cancer-predisposing syndrome. Last evaluated: 2024-10-05. Review status: criteria provided, single submitter. Criteria: Ambry Variant Classification Scheme 2023. Collection method: clinical testing. Allele origin: germline.
Comment: The p.R5Q variant (also known as c.14G>A), located in coding exon 1 of the CDK4 gene, results from a G to A substitution at nucleotide position 14. The arginine at codon 5 is replaced by glutamine, an amino acid with highly similar properties. This amino acid position is not well conserved in available vertebrate species. In addition, this alteration is predicted to be tolerated by in silico analysis. Since supporting evidence is limited at this time, the clinical significance of this alteration remains unclear.

GeneDx
Classification: Uncertain significance. Last evaluated: 2024-09-04. Review status: criteria provided, single submitter. Criteria: GeneDx Variant Classification Process June 2021. Collection method: clinical testing. Allele origin: germline. Affected: yes.
Comment: Not observed at significant frequency in large population cohorts (gnomAD); In silico analysis indicates that this missense variant does not alter protein structure/function; Has not been previously published as pathogenic or benign to our knowledge

Illumina Laboratory Services, Illumina
Classification: Likely benign for Melanoma, cutaneous malignant, susceptibility to, 3. Last evaluated: 2017-08-09. Review status: criteria provided, single submitter. Criteria: ICSL Variant Classification Criteria 13 December 2019. Collection method: clinical testing. Allele origin: germline.
Comment: This variant was observed as part of a predisposition screen in an ostensibly healthy population. A literature search was performed for the gene, cDNA change, and amino acid change (where applicable). No publications were found based on this search. Allele frequency data from public databases allowed determination this variant is unlikely to cause disease. Therefore, this variant is classified as likely benign.

NM_000075.4(CDK4):c.14G>A (p.Arg5Gln)

Gene: CDK4 (cyclin dependent kinase 4; minus strand). Cytogenetic location: 12q14.1.
Variant type: single nucleotide variant.
Coding change: c.14G>A on transcript NM_000075.4 (MANE Select); coding-DNA position 14, G replaced by A.
Protein change: p.Arg5Gln; replaces arginine 5 with glutamine.
Molecular consequence: missense variant.
Genome position (GRCh38, 1-based): chr12:57,751,704, C>T on the plus strand (G>A on the coding strand, the complement: CDK4 is on the minus strand). VCF-style: chr12-57751704-C-T. GRCh37 (hg19) VCF-style: chr12-58145487-C-T.
Other names: c.14G>A (LRG_490t1); short protein forms R5Q.
Identifiers: ClinVar variation 419527 (VCV000419527.20), dbSNP rs1031329993, ClinGen allele CA16619578.